The following is an entry in ClinVar:

ClinVar aggregate classification (germline): Uncertain significance (1 of 4 stars; one submission).

Conditions:
Congenital myasthenic syndrome 8. Also called: MYASTHENIC SYNDROME, CONGENITAL, DUE TO AGRIN DEFICIENCY; Myasthenic syndrome, congenital, 8, with pre- and postsynaptic defects. Identifiers: Orphanet 590, MedGen C3808739, MONDO:0014052, OMIM 615120.

Allele frequency attached by ClinVar (database versions not stated): gnomAD 0.00001; gnomAD exomes 0.00001 and 0.00002; TOPMed 0.00001; ExAC 0.00002.
gnomAD v4.1: 11 of 1,599,260 alleles (0.00069%); highest among the groups gnomAD compares: East Asian, 0.011%; no homozygotes.

Submission:

Labcorp Genetics (formerly Invitae), Labcorp
Classification: Uncertain significance for Congenital myasthenic syndrome 8. Last evaluated: 2021-05-11. Review status: criteria provided, single submitter. Criteria: Invitae Variant Classification Sherloc (09022015). Collection method: clinical testing. Allele origin: germline.
Comment: In summary, the available evidence is currently insufficient to determine the role of this variant in disease. Therefore, it has been classified as a Variant of Uncertain Significance. Algorithms developed to predict the effect of sequence changes on RNA splicing suggest that this variant may create or strengthen a splice site, but this prediction has not been confirmed by published transcriptional studies. This variant has not been reported in the literature in individuals with AGRN-related conditions. The frequency data for this variant in the population databases is considered unreliable, as metrics indicate poor data quality at this position in the ExAC database. This sequence change affects codon 1884 of the AGRN mRNA. It is a 'silent' change, meaning that it does not change the encoded amino acid sequence of the AGRN protein. It affects a nucleotide within the consensus splice site of the intron.

NM_198576.4(AGRN):c.5652C>T (p.Ser1884=)

Gene: AGRN (agrin; plus strand). Cytogenetic location: 1p36.33.
Variant type: single nucleotide variant.
Coding change: c.5652C>T on transcript NM_198576.4 (MANE Select); coding-DNA position 5652, C replaced by T.
Protein change: p.Ser1884=; no amino-acid change (serine 1884 retained).
Molecular consequence: synonymous variant.
Genome position (GRCh38, 1-based): chr1:1,053,753, C>T. VCF-style: chr1-1053753-C-T. GRCh37 (hg19) VCF-style: chr1-989133-C-T.
Other names: c.5721C>T, p.Ser1907= (NM_001305275.2); c.5349C>T, p.Ser1783= (NM_001364727.2).
Identifiers: ClinVar variation 1386068 (VCV001386068.8), dbSNP rs777830736, ClinGen allele CA510196.